The following is an entry in ClinVar:

ClinVar aggregate classification (germline): Uncertain significance (1 of 4 stars; one submission).

Submission:

Labcorp Genetics (formerly Invitae), Labcorp
Classification: Uncertain significance. Last evaluated: 2024-02-24. Review status: criteria provided, single submitter. Criteria: Invitae Variant Classification Sherloc (09022015). Collection method: clinical testing. Allele origin: germline.
Comment: This variant, c.3280_3282del, results in the deletion of 1 amino acid(s) of the LOXHD1 protein (p.Asp1094del), but otherwise preserves the integrity of the reading frame. This variant is present in population databases (no rsID available, gnomAD 0.02%). This variant has not been reported in the literature in individuals affected with LOXHD1-related conditions. ClinVar contains an entry for this variant (Variation ID: 2151407). Experimental studies and prediction algorithms are not available or were not evaluated, and the functional significance of this variant is currently unknown. In summary, the available evidence is currently insufficient to determine the role of this variant in disease. Therefore, it has been classified as a Variant of Uncertain Significance.

NM_001384474.1(LOXHD1):c.3280_3282del (p.Asp1094del)

Gene: LOXHD1 (lipoxygenase homology PLAT domains 1; minus strand). Cytogenetic location: 18q21.1.
Variant type: Deletion.
Coding change: c.3280_3282del on transcript NM_001384474.1 (MANE Select); coding-DNA positions 3280 to 3282, 3 bases deleted (GAC; older notation c.3280_3282delGAC).
Protein change: p.Asp1094del; deletes aspartic acid 1094.
Molecular consequence: inframe deletion. On other transcripts: 5 prime UTR variant (1).
Genome position (GRCh38, 1-based): chr18:46,557,424-46,557,426, GTC deleted on the plus strand (GAC on the coding strand, the reverse complement: LOXHD1 is on the minus strand); deleting any 3 consecutive bases within chr18:46,557,424-46,557,428 gives the same sequence; the c. name uses the placement nearest the transcript's 3' end. VCF-style (leftmost placement, unchanged base first): chr18-46557423-TGTC-T. GRCh37 (hg19) VCF-style: chr18-44137386-TGTC-T.
Other names: c.-54_-52del (NM_001145472.3); c.3280_3282del, p.Asp1094del (NM_144612.7); short protein forms D1094del.
Identifiers: ClinVar variation 2151407 (VCV002151407.3), dbSNP rs1422129718, ClinGen allele CA629501034.
Genomic context (GRCh38, chr18:46,557,423, plus strand): 5'-CGTTGTTCATGTCAGTAATGTCTATTCTGTCCAGGAACCAGCCTGCTCTGTTGCCTGTGT[TGTC>T]GTGGCGAATCCGAATCTTGGTCAGGGCCCCCAGGTCAATGGCATAGATGGTGAAGGTGTC-3'